The following is an entry in ClinVar:

NM_007294.4(BRCA1):c.670+4A>T

Gene: BRCA1 (BRCA1 DNA repair associated; minus strand). Cytogenetic location: 17q21.31.
Variant type: single nucleotide variant.
Coding change: c.670+4A>T on transcript NM_007294.4 (MANE Select); 4 bases into the intron after coding-DNA position 670, A replaced by T.
Molecular consequence: intron variant.
Genome position (GRCh38, 1-based): chr17:43,095,842, T>A on the plus strand (A>T on the coding strand, the complement: BRCA1 is on the minus strand). VCF-style: chr17-43095842-T-A. GRCh37 (hg19) VCF-style: chr17-41247859-T-A.
Other names: c.529+4A>T (NM_001408458.1, NM_001408469.1, NM_001408453.1 and 43 more transcripts); c.-218-982A>T (NM_001407967.1, NM_001407966.1); c.289+4A>T (NM_001407959.1, NM_001408510.1, NM_001407963.1 and 1 more transcripts); c.404-982A>T (NM_001407931.1, NM_001407932.1, NM_001408503.1 and 5 more transcripts); c.526+4A>T (NM_001407747.1, NM_001408470.1, NM_001407848.1 and 26 more transcripts); c.286+4A>T (NM_001407962.1); c.167-982A>T (NM_001408512.1, NM_001407965.1); c.460+4A>T (NM_001407885.1, NM_001407886.1, NM_001407881.1 and 27 more transcripts); and 17 more.
Identifiers: ClinVar variation 2076575 (VCV002076575.4), dbSNP rs917516811, ClinGen allele CA2580094074.

ClinVar aggregate classification (germline): Uncertain significance (1 of 4 stars; one submission).

Conditions:
Hereditary breast ovarian cancer syndrome. Also called: Hereditary breast and ovarian cancer syndrome; Hereditary breast and ovarian cancer syndrome (HBOC); Breast and ovarian cancer; Hereditary breast and/or ovarian cancer syndrome; BRCA1- and BRCA2-Associated Hereditary Breast and Ovarian Cancer; Hereditary breast and ovarian cancer. Identifiers: Orphanet 145, MedGen C0677776, MeSH D061325, MONDO:0003582. Disease mechanism: loss of function.

Submission:

Labcorp Genetics (formerly Invitae), Labcorp
Classification: Uncertain significance for Hereditary breast ovarian cancer syndrome. Last evaluated: 2022-01-07. Review status: criteria provided, single submitter. Criteria: Invitae Variant Classification Sherloc (09022015). Collection method: clinical testing. Allele origin: germline.
Comment: In summary, the available evidence is currently insufficient to determine the role of this variant in disease. Therefore, it has been classified as a Variant of Uncertain Significance. Variants that disrupt the consensus splice site are a relatively common cause of aberrant splicing (PMID: 17576681, 9536098). Algorithms developed to predict the effect of sequence changes on RNA splicing suggest that this variant may disrupt the consensus splice site. This variant has not been reported in the literature in individuals affected with BRCA1-related conditions. This variant is not present in population databases (gnomAD no frequency). This sequence change falls in intron 9 of the BRCA1 gene. It does not directly change the encoded amino acid sequence of the BRCA1 protein. It affects a nucleotide within the consensus splice site.

Literature cited by the submitters: PubMed 17576681; PubMed 9536098.